The following is an entry in ClinVar:

NM_201384.3(PLEC):c.1263+6G>T

Genes: PLEC (plectin; minus strand), LOC130001334 (ATAC-STARR-seq lymphoblastoid silent region 19628; plus strand). Cytogenetic location: 8q24.3.
Variant type: single nucleotide variant.
Coding change: c.1263+6G>T on transcript NM_201384.3 (MANE Select); 6 bases into the intron after coding-DNA position 1263, G replaced by T.
Molecular consequence: intron variant.
Genome position (GRCh38, 1-based): chr8:143,933,992, C>A on the plus strand (G>T on the coding strand, the complement: PLEC is on the minus strand). VCF-style: chr8-143933992-C-A. GRCh37 (hg19) VCF-style: chr8-145008160-C-A.
Other names: c.1344+6G>T (NM_000445.5); c.1221+6G>T (NM_201378.4); c.1197+6G>T (NM_201379.3); c.1674+6G>T (NM_201380.4); c.1167+6G>T (NM_201381.3); c.1263+6G>T (NM_201382.4); c.1275+6G>T (NM_201383.3).
Identifiers: ClinVar variation 1424092 (VCV001424092.6), dbSNP rs782820595, ClinGen allele CA2573142890.

ClinVar aggregate classification (germline): Uncertain significance (1 of 4 stars; one submission).

Conditions:
Epidermolysis bullosa simplex 5B, with muscular dystrophy (EBS5B). Also called: EPIDERMOLYSIS BULLOSA SIMPLEX AND LIMB-GIRDLE MUSCULAR DYSTROPHY; Epidermolysis bullosa simplex with muscular dystrophy. Identifiers: Orphanet 257, MedGen C2931072, MONDO:0009181, OMIM 226670.
Epidermolysis bullosa simplex, Ogna type (EBS5A). Also called: Pidermolysis bullosa simplex 5A, Ogna type; EPIDERMOLYSIS BULLOSA SIMPLEX 5A, OGNA TYPE. Identifiers: Orphanet 79401, MedGen C0432317, MONDO:0007555, OMIM 131950.
Epidermolysis bullosa simplex with nail dystrophy (EBS5D). Identifiers: MedGen C4225309, MONDO:0014661, OMIM 616487.
Epidermolysis bullosa simplex 5C, with pyloric atresia (EBS5C). Also called: PLEC1-Related Epidermolysis Bullosa with Pyloric Atresia; Epidermolysis bullosa simplex with pyloric atresia; PLEC-Related Epidermolysis Bullosa with Pyloric Atresia. Identifiers: Orphanet 158684, MedGen C2677349, MONDO:0012807, OMIM 612138.
Autosomal recessive limb-girdle muscular dystrophy type 2Q (LGMDR17). Also called: MUSCULAR DYSTROPHY, LIMB-GIRDLE, AUTOSOMAL RECESSIVE 17. Identifiers: Orphanet 254361, MedGen C3150989, MONDO:0013390, OMIM 613723.

gnomAD v4.1: 2 of 1,602,138 alleles (0.00012%); highest among the groups gnomAD compares: East Asian, 0.0022%; no homozygotes.

Submission:

Labcorp Genetics (formerly Invitae), Labcorp
Classification: Uncertain significance for Autosomal recessive limb-girdle muscular dystrophy type 2Q; Epidermolysis bullosa simplex, Ogna type; Epidermolysis bullosa simplex with nail dystrophy; Epidermolysis bullosa simplex 5C, with pyloric atresia; Epidermolysis bullosa simplex 5B, with muscular dystrophy. Last evaluated: 2020-11-17. Review status: criteria provided, single submitter. Criteria: Invitae Variant Classification Sherloc (09022015). Collection method: clinical testing. Allele origin: germline.
Comment: This sequence change falls in intron 13 of the PLEC gene. It does not directly change the encoded amino acid sequence of the PLEC protein. It affects a nucleotide within the consensus splice site of the intron. This variant is not present in population databases (ExAC no frequency). This variant has not been reported in the literature in individuals with PLEC-related conditions. Nucleotide substitutions within the consensus splice site are a relatively common cause of aberrant splicing (PMID: 17576681, 9536098). Algorithms developed to predict the effect of sequence changes on RNA splicing suggest that this variant is not likely to affect RNA splicing, but this prediction has not been confirmed by published transcriptional studies. In summary, the available evidence is currently insufficient to determine the role of this variant in disease. Therefore, it has been classified as a Variant of Uncertain Significance.

Literature cited by the submitters: PubMed 17576681; PubMed 9536098.